The following is an entry in ClinVar:

NM_001267550.2(TTN):c.2535G>T (p.Glu845Asp)

Gene: TTN (titin; minus strand). Cytogenetic location: 2q31.2.
Variant type: single nucleotide variant.
Coding change: c.2535G>T on transcript NM_001267550.2 (MANE Select); coding-DNA position 2535, G replaced by T.
Protein change: p.Glu845Asp; replaces glutamic acid 845 with aspartic acid.
Molecular consequence: missense variant.
Genome position (GRCh38, 1-based): chr2:178,784,310, C>A on the plus strand (G>T on the coding strand, the complement: TTN is on the minus strand). VCF-style: chr2-178784310-C-A. GRCh37 (hg19) VCF-style: chr2-179649037-C-A.
Other names: c.2535G>T, p.Glu845Asp (NM_001256850.1, NM_133378.4, NM_133379.5); c.2397G>T, p.Glu799Asp (NM_003319.4, NM_133432.3, NM_133437.4); short protein forms E845D, E799D.
Identifiers: ClinVar variation 500936 (VCV000500936.15), dbSNP rs768608500, ClinGen allele CA2005788.

ClinVar aggregate classification (germline): Conflicting classifications of pathogenicity. Review status: criteria provided, conflicting classifications (1 of 4 stars). 5 submissions from 5 submitters: Uncertain significance (4); Likely benign (1). Last evaluated 2026-01-01.

Conditions:
Dilated cardiomyopathy 1G (CMD1G). Identifiers: Orphanet 154, MedGen C1858763, MONDO:0011400, OMIM 604145.
Myopathy, myofibrillar, 9, with early respiratory failure (MFM9). Also called: Myopathy, distal, with early respiratory failure, autosomal dominant; Hereditary myopathy with early respiratory failure; MYOPATHY, PROXIMAL, WITH EARLY RESPIRATORY MUSCLE INVOLVEMENT; EDSTROM MYOPATHY. Identifiers: Orphanet 178464, Orphanet 34521, MedGen C1863599, MONDO:0011362, OMIM 603689.
Hypertrophic cardiomyopathy 9. Also called: Familial hypertrophic cardiomyopathy 9. Identifiers: MedGen C1861065, MONDO:0013412, OMIM 613765.
Autosomal recessive limb-girdle muscular dystrophy type 2J (LGMDR10). Also called: Limb-girdle muscular dystrophy, type 2J; MUSCULAR DYSTROPHY, LIMB-GIRDLE, AUTOSOMAL RECESSIVE 10. Identifiers: Orphanet 140922, MedGen C1837342, MONDO:0012127, OMIM 608807.
Tibial muscular dystrophy (TMD). Also called: Udd Distal Myopathy – Tibial Muscular Dystrophy; Tibial muscular dystrophy, tardive; UDD MYOPATHY. Identifiers: Orphanet 609, MedGen C1838244, MONDO:0010870, OMIM 600334.
Early-onset myopathy with fatal cardiomyopathy (CMYO5). Also called: CONGENITAL MYOPATHY 5 WITH CARDIOMYOPATHY; Salih Myopathy. Identifiers: Orphanet 289377, MedGen C2673677, MONDO:0012714, OMIM 611705. Disease mechanism: loss of function.
Cardiovascular phenotype. Identifiers: MedGen CN230736.

Allele frequency attached by ClinVar (database versions not stated): ExAC 0.00006; gnomAD 0.00001; TOPMed 0.00002; gnomAD exomes 0.00005.
gnomAD v4.1: 18 of 1,613,986 alleles (0.0011%); highest among the groups gnomAD compares: Admixed American, 0.023%; no homozygotes.

Submissions (5):

CeGaT Center for Human Genetics Tuebingen
Classification: Uncertain significance. Last evaluated: 2026-01-01. Review status: criteria provided, single submitter. Criteria: CeGaT Center For Human Genetics Tuebingen Variant Classification Criteria Version 2. Collection method: clinical testing. Allele origin: germline. Affected: yes. Observed: 1 variant allele.
Comment: TTN: PM2

Revvity Omics, Revvity
Classification: Uncertain significance. Last evaluated: 2021-07-01. Review status: criteria provided, single submitter. Criteria: ACMG Guidelines, 2015. Collection method: clinical testing. Allele origin: germline.

Ambry Genetics
Classification: Likely benign for Cardiovascular phenotype. Last evaluated: 2020-05-26. Review status: criteria provided, single submitter. Criteria: Ambry Variant Classification Scheme 2023. Collection method: clinical testing. Allele origin: germline.

Fulgent Genetics
Classification: Uncertain significance for Tibial muscular dystrophy; Myopathy, myofibrillar, 9, with early respiratory failure; Dilated cardiomyopathy 1G; Autosomal recessive limb-girdle muscular dystrophy type 2J; Early-onset myopathy with fatal cardiomyopathy; Hypertrophic cardiomyopathy 9. Last evaluated: 2018-10-31. Review status: criteria provided, single submitter. Criteria: ACMG Guidelines, 2015. Collection method: clinical testing. Allele origin: unknown.

Eurofins Ntd Llc (ga)
Classification: Uncertain significance. Last evaluated: 2017-03-21. Review status: criteria provided, single submitter. Criteria: EGL Classification Definitions 2015. Collection method: clinical testing. Allele origin: germline. Observed: 1 variant allele, 1 heterozygote.